The following is an entry in ClinVar:

ClinVar aggregate classification (germline): Pathogenic (1 of 4 stars; one submission).

Conditions:
Epilepsy, familial focal, with variable foci 3 (FFEVF3). Identifiers: MedGen C4310708, MONDO:0014925, OMIM 617118.

Submission:

Labcorp Genetics (formerly Invitae), Labcorp
Classification: Pathogenic for Epilepsy, familial focal, with variable foci 3. Last evaluated: 2020-05-24. Review status: criteria provided, single submitter. Criteria: Invitae Variant Classification Sherloc (09022015). Collection method: clinical testing. Allele origin: germline.
Comment: This variant is a gross deletion of the genomic region encompassing exon(s) 2-5 of the NPRL3 gene, which includes the initiator codon. The 5' end of this event is unknown as it extends beyond the assayed region for this gene and therefore may encompass additional genes. The 3' boundary is likely confined to intron 5 of the NPRL3 gene. This is expected to result in an absent or disrupted protein product. This variant has not been reported in the literature in individuals with NPRL3-related conditions. Loss-of-function variants in NPRL3 are known to be pathogenic (PMID: 26285051, 26505888). For these reasons, this variant has been classified as Pathogenic.

Literature cited by the submitters: PubMed 26285051; PubMed 26505888.

NC_000016.9:g.(?_167290)_(188266_?)del

Gene: NPRL3 (NPR3 like, GATOR1 complex subunit; minus strand). Cytogenetic location: 16p13.3.
Variant type: Deletion.
Identifiers: ClinVar variation 1076137 (VCV001076137.4).